The following is an entry in ClinVar:

NM_015450.3(POT1):c.1646A>T (p.Asp549Val)

Gene: POT1 (protection of telomeres 1; minus strand). Cytogenetic location: 7q31.33.
Variant type: single nucleotide variant.
Coding change: c.1646A>T on transcript NM_015450.3 (MANE Select); coding-DNA position 1646, A replaced by T.
Protein change: p.Asp549Val; replaces aspartic acid 549 with valine.
Molecular consequence: missense variant. On other transcripts: non-coding transcript variant (3).
Genome position (GRCh38, 1-based): chr7:124,827,254, T>A on the plus strand (A>T on the coding strand, the complement: POT1 is on the minus strand). VCF-style: chr7-124827254-T-A. GRCh37 (hg19) VCF-style: chr7-124467308-T-A.
Other names: c.1253A>T, p.Asp418Val (NM_001042594.2); short protein forms D418V, D549V.
Identifiers: ClinVar variation 1480532 (VCV001480532.6), dbSNP rs2116414894, ClinGen allele CA369063040.

ClinVar aggregate classification (germline): Uncertain significance (1 of 4 stars; one submission).

Conditions:
Tumor predisposition syndrome 3 (TPDS3). Also called: Melanoma, cutaneous malignant, susceptibility to, 10; LONG TELOMERE SYNDROME, POT1-RELATED; POT1 Tumor Predisposition; Glioma susceptibility 9. Identifiers: Orphanet 618, MedGen C4014476, MONDO:0014368, OMIM 615848.

Submission:

Labcorp Genetics (formerly Invitae), Labcorp
Classification: Uncertain significance for Tumor predisposition syndrome 3. Last evaluated: 2021-10-23. Review status: criteria provided, single submitter. Criteria: Invitae Variant Classification Sherloc (09022015). Collection method: clinical testing. Allele origin: germline.
Comment: This variant has not been reported in the literature in individuals affected with POT1-related conditions. Algorithms developed to predict the effect of missense changes on protein structure and function (SIFT, PolyPhen-2, Align-GVGD) all suggest that this variant is likely to be tolerated. In summary, the available evidence is currently insufficient to determine the role of this variant in disease. Therefore, it has been classified as a Variant of Uncertain Significance. This sequence change replaces aspartic acid with valine at codon 549 of the POT1 protein (p.Asp549Val). The aspartic acid residue is moderately conserved and there is a large physicochemical difference between aspartic acid and valine. This variant is not present in population databases (ExAC no frequency).